The following is an entry in ClinVar:

NM_000051.4(ATM):c.8636del (p.Asn2879fs)

Genes: C11orf65 (chromosome 11 open reading frame 65; minus strand), ATM (ATM serine/threonine kinase; plus strand). Cytogenetic location: 11q22.3.
Variant type: Deletion.
Coding change: c.8636del on transcript NM_000051.4 (MANE Select); coding-DNA position 8636, one base deleted (A; older notation c.8636delA).
Protein change: p.Asn2879fs; shifts the reading frame from asparagine 2879.
Molecular consequence: frameshift variant. On other transcripts: intron variant (2).
Genome position (GRCh38, 1-based): chr11:108,347,330, A deleted; the last of 3 consecutive A bases (chr11:108,347,328-108,347,330); deleting any one gives the same sequence. VCF-style (leftmost placement, unchanged base first): chr11-108347327-TA-T. GRCh37 (hg19) VCF-style: chr11-108218054-TA-T.
Other names: c.8636del, p.Asn2879fs (NM_001351834.2); c.641-38257del (NM_001330368.2); c.695-12036del (NM_001351110.2); short protein forms N2879fs.
Identifiers: ClinVar variation 1764118 (VCV001764118.2), dbSNP rs2137082728, ClinGen allele CA2580083472.

ClinVar aggregate classification (germline): Pathogenic (1 of 4 stars; one submission).

Conditions:
Hereditary cancer-predisposing syndrome. Also called: Hereditary neoplastic syndrome; Neoplastic Syndromes, Hereditary; Tumor predisposition; Hereditary Cancer Syndrome. Identifiers: Orphanet 140162, MedGen C0027672, MeSH D009386, MONDO:0015356.

Submission:

Ambry Genetics
Classification: Pathogenic for Hereditary cancer-predisposing syndrome. Last evaluated: 2022-05-13. Review status: criteria provided, single submitter. Criteria: Ambry Variant Classification Scheme 2023. Collection method: clinical testing. Allele origin: germline.
Comment: The c.8636delA pathogenic mutation, located in coding exon 58 of the ATM gene, results from a deletion of one nucleotide at nucleotide position 8636, causing a translational frameshift with a predicted alternate stop codon (p.N2879Mfs*10). This variant is considered to be rare based on population cohorts in the Genome Aggregation Database (gnomAD). This alteration is expected to result in loss of function by premature protein truncation or nonsense-mediated mRNA decay. As such, this alteration is interpreted as a disease-causing mutation.